The following is an entry in ClinVar:

ClinVar aggregate classification (germline): Uncertain significance (1 of 4 stars; one submission).

Conditions:
Brugada syndrome 8 (BRGDA8). Identifiers: Orphanet 130, MedGen C2751083, MONDO:0013148, OMIM 613123.

Allele frequency attached by ClinVar (database versions not stated): TOPMed 0.00001.
gnomAD v4.1: 8 of 1,603,768 alleles (0.0005%); highest among the groups gnomAD compares: Admixed American, 0.0083%; no homozygotes.

Submission:

Labcorp Genetics (formerly Invitae), Labcorp
Classification: Uncertain significance for Brugada syndrome 8. Last evaluated: 2025-01-15. Review status: criteria provided, single submitter. Criteria: Invitae Variant Classification Sherloc (09022015). Collection method: clinical testing. Allele origin: germline.
Comment: This sequence change replaces alanine, which is neutral and non-polar, with proline, which is neutral and non-polar, at codon 869 of the HCN4 protein (p.Ala869Pro). This variant is present in population databases (rs775134377, gnomAD 0.01%). This variant has not been reported in the literature in individuals affected with HCN4-related conditions. ClinVar contains an entry for this variant (Variation ID: 946902). Invitae Evidence Modeling of protein sequence and biophysical properties (such as structural, functional, and spatial information, amino acid conservation, physicochemical variation, residue mobility, and thermodynamic stability) indicates that this missense variant is not expected to disrupt HCN4 protein function with a negative predictive value of 95%. In summary, the available evidence is currently insufficient to determine the role of this variant in disease. Therefore, it has been classified as a Variant of Uncertain Significance.

NM_005477.3(HCN4):c.2605G>C (p.Ala869Pro)

Gene: HCN4 (hyperpolarization activated cyclic nucleotide gated potassium channel 4; minus strand). Cytogenetic location: 15q24.1.
Variant type: single nucleotide variant.
Coding change: c.2605G>C on transcript NM_005477.3 (MANE Select); coding-DNA position 2605, G replaced by C.
Protein change: p.Ala869Pro; replaces alanine 869 with proline.
Molecular consequence: missense variant.
Genome position (GRCh38, 1-based): chr15:73,323,488, C>G on the plus strand (G>C on the coding strand, the complement: HCN4 is on the minus strand). VCF-style: chr15-73323488-C-G. GRCh37 (hg19) VCF-style: chr15-73615829-C-G.
Other names: short protein forms A869P.
Identifiers: ClinVar variation 946902 (VCV000946902.9), dbSNP rs775134377, ClinGen allele CA7648992.